The following is an entry in ClinVar:

ClinVar aggregate classification (germline): Likely pathogenic (1 of 4 stars; one submission).

Conditions:
Sucrase-isomaltase deficiency (CSID). Also called: SI DEFICIENCY; Deficiency of isomaltase; Congenital sucrose isomaltose malabsorption; Sucrose isomaltose enzyme deficiency. Identifiers: Orphanet 35122, MedGen C1283620, MONDO:0009114, OMIM 222900.

Submission:

Dasa
Classification: Likely pathogenic for congenital sucrase-isomaltase deficiency. Last evaluated: 2026-03-24. Review status: criteria provided, single submitter. Criteria: DASA Assertion Criteria. Collection method: clinical testing. Allele origin: germline.
Comment: NM_001041.4(SI):c.2302-4_2302-2del is a splice-region variant predicted to affect normal RNA splicing. This variant is rare in population databases. Based on the currently available evidence, this variant is classified as likely pathogenic.

NM_001041.4(SI):c.2302-4_2302-2del

Gene: SI (sucrase-isomaltase; minus strand). Cytogenetic location: 3q26.1.
Variant type: Microsatellite.
Coding change: c.2302-4_2302-2del on transcript NM_001041.4 (MANE Select); 4 bases into the intron before coding-DNA position 2302 through the canonical splice acceptor site of the intron before coding-DNA position 2302, 3 bases deleted (TTA; older notation c.2302-4_2302-2delTTA).
Molecular consequence: splice acceptor variant.
Genome position (GRCh38, 1-based): chr3:165,038,026-165,038,028, TAA deleted on the plus strand (TTA on the coding strand, the reverse complement: SI is on the minus strand); deleting any 3 consecutive bases within chr3:165,038,026-165,038,032 gives the same sequence; the c. name uses the placement nearest the transcript's 3' end. VCF-style (leftmost placement, unchanged base first): chr3-165038025-CTAA-C. GRCh37 (hg19) VCF-style: chr3-164755813-CTAA-C.
Identifiers: ClinVar variation 4880727 (VCV004880727.2).